The following is an entry in ClinVar:

ClinVar aggregate classification (germline): Uncertain significance (1 of 4 stars; one submission).

Submission:

Athena Diagnostics
Classification: Uncertain significance. Last evaluated: 2024-07-30. Review status: criteria provided, single submitter. Criteria: Athena Diagnostics Criteria. Collection method: clinical testing. Allele origin: unknown.
Comment: Available data are insufficient to determine the clinical significance of the variant at this time. This variant has not been reported in large, multi-ethnic general populations. Polyphen and MutationTaster predict this amino acid change may be benign.

NM_004172.5(SLC1A3):c.593G>A (p.Ser198Asn)

Genes: SLC1A3 (solute carrier family 1 member 3; plus strand), SLC1A3-AS1 (SLC1A3 antisense RNA 1; minus strand). Cytogenetic location: 5p13.2.
Variant type: single nucleotide variant.
Coding change: c.593G>A on transcript NM_004172.5 (MANE Select); coding-DNA position 593, G replaced by A.
Protein change: p.Ser198Asn; replaces serine 198 with asparagine.
Molecular consequence: missense variant. On other transcripts: intron variant (1).
Genome position (GRCh38, 1-based): chr5:36,676,917, G>A. VCF-style: chr5-36676917-G-A. GRCh37 (hg19) VCF-style: chr5-36677019-G-A.
Other names: c.593G>A, p.Ser198Asn (NM_001166695.3); c.455G>A, p.Ser152Asn (NM_001289939.2); c.525-2710G>A (NM_001289940.2); short protein forms S152N, S198N.
Identifiers: ClinVar variation 2684386 (VCV002684386.2), dbSNP rs2478143723, ClinGen allele CA359478218.
Genomic context (GRCh38, chr5:36,676,917, plus strand): 5'-CACCTTTAATCCTCGTTGTGCTTTTTATTTTTAAGTTTAAAACCAACTATGAGAAGAGAA[G>A]CTTTAAAGTGCCCATCCAGGCCAACGAAACGCTTGTGGGTGCTGTGATAAACAATGTGTC-3'
Protein context (NP_004163.3, residues 188-208): KQFKTNYEKR[Ser198Asn]FKVPIQANET